The following is an entry in ClinVar:

NM_003737.4(DCHS1):c.3166G>A (p.Val1056Met)

Gene: DCHS1 (dachsous cadherin-related 1; minus strand). Cytogenetic location: 11p15.4.
Variant type: single nucleotide variant.
Coding change: c.3166G>A on transcript NM_003737.4 (MANE Select); coding-DNA position 3166, G replaced by A.
Protein change: p.Val1056Met; replaces valine 1056 with methionine.
Molecular consequence: missense variant.
Genome position (GRCh38, 1-based): chr11:6,632,346, C>T on the plus strand (G>A on the coding strand, the complement: DCHS1 is on the minus strand). VCF-style: chr11-6632346-C-T. GRCh37 (hg19) VCF-style: chr11-6653577-C-T.
Other names: short protein forms V1056M.
Identifiers: ClinVar variation 3237449 (VCV003237449.1), dbSNP rs1855923792.
Genomic context (GRCh38, chr11:6,632,346, plus strand): 5'-ACACTGCCATTACCTTCAGTATGTACAATTCCTGGGCCTCACGGTCTAGTGCTGCCCGCA[C>T]CCATAGCCACCCACTCTGTGGCTCCAGGCCAAAGGGGCTACTTGCTCCCTCTGCTGCAAG-3'
Protein context (NP_003728.1, residues 1046-1066): GLEPQSGWLW[Val1056Met]RAALDREAQE

ClinVar aggregate classification (germline): Uncertain significance (1 of 4 stars; one submission).

Conditions:
Van Maldergem syndrome 1 (VMLDS1). Also called: Van Maldergem syndrome 1 (VMLDS1). Identifiers: Orphanet 314679, MedGen C4551950, MONDO:0011070, OMIM 601390.

Submission:

Clinical Genomics Laboratory, Washington University in St. Louis
Classification: Uncertain significance for Van Maldergem syndrome 1. Last evaluated: 2023-12-08. Review status: criteria provided, single submitter. Criteria: ACMG Guidelines, 2015. Collection method: clinical testing. Allele origin: germline.
Comment: The DCHS1 c.3166G>A (p.Val1056Met) variant was identified at a near heterozygous allelic fraction of 48.92%, a frequency which may be consistent with it being of germline origin. This variant, to our knowledge, has not been reported in the medical literature. This variant is only observed on 3/628,524 alleles in the general population (gnomAD v.4.0.0), indicating it is not a common variant. Computational predictors are uncertain as to the impact of this variant on DCHS1 function. Due to limited information, and based on ACMG/AMP guidelines for variant interpretation (Richards S et al., PMID: 25741868), the clinical significance of this variant is uncertain at this time.